The following is an entry in ClinVar:

ClinVar aggregate classification (germline): Uncertain significance (1 of 4 stars; one submission).

Conditions:
Anterior segment dysgenesis. Also called: Ocular anterior segment dysgenesis. Identifiers: Orphanet 88632, MedGen C1862839, MONDO:0019503, HP:0007700.
Congenital primary aphakia. Also called: Anterior segment dysgenesis 2, multiple subtypes; ANTERIOR SEGMENT DYSGENESIS 2. Identifiers: Orphanet 83461, MedGen C1853230, MONDO:0012456, OMIM 610256.

Submission:

Labcorp Genetics (formerly Invitae), Labcorp
Classification: Uncertain significance for Anterior segment dysgenesis; Congenital primary aphakia. Last evaluated: 2025-12-24. Review status: criteria provided, single submitter. Criteria: Invitae Variant Classification Sherloc (09022015). Collection method: clinical testing. Allele origin: germline.
Comment: This sequence change replaces serine, which is neutral and polar, with cysteine, which is neutral and slightly polar, at codon 258 of the FOXE3 protein (p.Ser258Cys). This variant is not present in population databases (gnomAD no frequency). This variant has not been reported in the literature in individuals affected with FOXE3-related conditions. Invitae Evidence Modeling of protein sequence and biophysical properties (such as structural, functional, and spatial information, amino acid conservation, physicochemical variation, residue mobility, and thermodynamic stability) has been performed for this missense variant. However, the output from this modeling did not meet the statistical confidence thresholds required to predict the impact of this variant on FOXE3 protein function. In summary, the available evidence is currently insufficient to determine the role of this variant in disease. Therefore, it has been classified as a Variant of Uncertain Significance.

NM_012186.3(FOXE3):c.773C>G (p.Ser258Cys)

Genes: FOXE3 (forkhead box E3; plus strand), LINC01389 (long independently transcribed non-coding RNA 1389; minus strand). Cytogenetic location: 1p33.
Variant type: single nucleotide variant.
Coding change: c.773C>G on transcript NM_012186.3 (MANE Select); coding-DNA position 773, C replaced by G.
Protein change: p.Ser258Cys; replaces serine 258 with cysteine.
Molecular consequence: missense variant.
Genome position (GRCh38, 1-based): chr1:47,417,088, C>G. VCF-style: chr1-47417088-C-G. GRCh37 (hg19) VCF-style: chr1-47882760-C-G.
Other names: short protein forms S258C.
Identifiers: ClinVar variation 4790072 (VCV004790072.1).